The following is an entry in ClinVar:

NM_000270.4(PNP):c.295C>T (p.Pro99Ser)

Gene: PNP (purine nucleoside phosphorylase; plus strand). Cytogenetic location: 14q11.2.
Variant type: single nucleotide variant.
Coding change: c.295C>T on transcript NM_000270.4 (MANE Select); coding-DNA position 295, C replaced by T.
Protein change: p.Pro99Ser; replaces proline 99 with serine.
Molecular consequence: missense variant.
Genome position (GRCh38, 1-based): chr14:20,474,782, C>T. VCF-style: chr14-20474782-C-T. GRCh37 (hg19) VCF-style: chr14-20942941-C-T.
Other names: short protein forms P99S.
Identifiers: ClinVar variation 2168338 (VCV002168338.2), dbSNP rs568276040, ClinGen allele CA7082096.

ClinVar aggregate classification (germline): Uncertain significance (1 of 4 stars; one submission).

Conditions:
Purine-nucleoside phosphorylase deficiency. Also called: Immunodeficiency due to purine nucleoside phosphorylase deficiency; NUCLEOSIDE PHOSPHORYLASE DEFICIENCY. Identifiers: Orphanet 760, MedGen C0268125, MONDO:0013171, OMIM 613179.

Allele frequency attached by ClinVar (database versions not stated): TOPMed below 0.00001; ExAC 0.00001; gnomAD 0.00001; 1000 Genomes Project 30x 0.00016; 1000 Genomes Project 0.00020.
gnomAD v4.1: 2 of 1,614,006 alleles (0.00012%); highest among the groups gnomAD compares: East Asian, 0.0045%; no homozygotes.

Submission:

Labcorp Genetics (formerly Invitae), Labcorp
Classification: Uncertain significance for Purine-nucleoside phosphorylase deficiency. Last evaluated: 2022-05-25. Review status: criteria provided, single submitter. Criteria: Invitae Variant Classification Sherloc (09022015). Collection method: clinical testing. Allele origin: germline.
Comment: In summary, the available evidence is currently insufficient to determine the role of this variant in disease. Therefore, it has been classified as a Variant of Uncertain Significance. Algorithms developed to predict the effect of missense changes on protein structure and function are either unavailable or do not agree on the potential impact of this missense change (SIFT: "Deleterious"; PolyPhen-2: "Probably Damaging"; Align-GVGD: "Class C0"). This variant has not been reported in the literature in individuals affected with PNP-related conditions. This variant is present in population databases (rs568276040, gnomAD 0.006%). This sequence change replaces proline, which is neutral and non-polar, with serine, which is neutral and polar, at codon 99 of the PNP protein (p.Pro99Ser).